The following is an entry in ClinVar:

NM_020134.4(DPYSL5):c.458del (p.Gly153fs)

Gene: DPYSL5 (dihydropyrimidinase like 5; plus strand). Cytogenetic location: 2p23.3.
Variant type: Deletion.
Coding change: c.458del on transcript NM_020134.4 (MANE Select); coding-DNA position 458, one base deleted (G; older notation c.458delG).
Protein change: p.Gly153fs; shifts the reading frame from glycine 153.
Molecular consequence: frameshift variant.
Genome position (GRCh38, 1-based): chr2:26,927,290, G deleted; the last of 3 consecutive G bases (chr2:26,927,288-26,927,290); deleting any one gives the same sequence. VCF-style (leftmost placement, unchanged base first): chr2-26927287-AG-A. GRCh37 (hg19) VCF-style: chr2-27150155-AG-A.
Other names: c.458del, p.Gly153fs (NM_001253723.2, NM_001253724.2); short protein forms G153fs.
Identifiers: ClinVar variation 3906313 (VCV003906313.1).

ClinVar aggregate classification (germline): Uncertain significance (1 of 4 stars; one submission).

Submission:

GeneDx
Classification: Uncertain significance. Last evaluated: 2024-12-22. Review status: criteria provided, single submitter. Criteria: GeneDx Variant Classification Process June 2021. Collection method: clinical testing. Allele origin: germline. Affected: yes.
Comment: Not observed at significant frequency in large population cohorts (gnomAD); Frameshift variant predicted to result in protein truncation or nonsense mediated decay in a gene or region of a gene for which loss of function is not a well-established mechanism of disease; Has not been previously published as pathogenic or benign to our knowledge